The following is an entry in ClinVar:

ClinVar aggregate classification (germline): Uncertain significance (1 of 4 stars; one submission).

gnomAD v4.1: 2 of 1,612,852 alleles (0.00012%); highest among the groups gnomAD compares: Non-Finnish European, 0.00017%; no homozygotes.

Submission:

Labcorp Genetics (formerly Invitae), Labcorp
Classification: Uncertain significance. Last evaluated: 2023-05-10. Review status: criteria provided, single submitter. Criteria: Invitae Variant Classification Sherloc (09022015). Collection method: clinical testing. Allele origin: germline.
Comment: In summary, the available evidence is currently insufficient to determine the role of this variant in disease. Therefore, it has been classified as a Variant of Uncertain Significance. This sequence change replaces glycine, which is neutral and non-polar, with aspartic acid, which is acidic and polar, at codon 109 of the HJV protein (p.Gly109Asp). This variant is not present in population databases (gnomAD no frequency). This missense change has been observed in individual(s) with clinical features of hereditary hemochromatosis (Invitae). In at least one individual the data is consistent with being in trans (on the opposite chromosome) from a pathogenic variant. ClinVar contains an entry for this variant (Variation ID: 1918941). An algorithm developed to predict the effect of missense changes on protein structure and function (PolyPhen-2) suggests that this variant is likely to be disruptive.

NM_213653.4(HJV):c.326G>A (p.Gly109Asp)

Gene: HJV (hemojuvelin BMP co-receptor; minus strand). Cytogenetic location: 1q21.1.
Variant type: single nucleotide variant.
Coding change: c.326G>A on transcript NM_213653.4 (MANE Select); coding-DNA position 326, G replaced by A.
Protein change: p.Gly109Asp; replaces glycine 109 with aspartic acid.
Molecular consequence: missense variant. On other transcripts: 5 prime UTR variant (1), intron variant (3).
Genome position (GRCh38, 1-based): chr1:146,019,506, C>T on the plus strand (G>A on the coding strand, the complement: HJV is on the minus strand). VCF-style: chr1-146019506-C-T. GRCh37 (hg19) VCF-style: chr1-145415507-G-A.
Other names: c.326G>A, p.Gly109Asp (NM_001379352.1); c.-14G>A (NM_145277.5); c.-21-806G>A (NM_213652.4); c.-22+192G>A (NM_202004.4, NM_001316767.2); short protein forms G109D.
Identifiers: ClinVar variation 1918941 (VCV001918941.4), dbSNP rs2525753269, ClinGen allele CA342142424.
Genomic context (GRCh38, chr1:146,019,506, plus strand): 5'-GGGGGAGGGGCTGTAGGGCCCTGGCGGGAGCAGTTGTGCTGGATCATCAGGTCTTCGATG[C>T]CATGTACCGCCGAATGGAAGGCGAGGTCCCCGCGGCAGGTGCGGGCGGTGCGCCGAGTGC-3'
Protein context (NP_998818.1, residues 99-119): GDLAFHSAVH[Gly109Asp]IEDLMIQHNC